The following is an entry in ClinVar:

NM_201384.3(PLEC):c.4220CGG[1] (p.Ala1408del)

Gene: PLEC (plectin; minus strand). Cytogenetic location: 8q24.3.
Variant type: Microsatellite.
Coding change: c.4220CGG[1] on transcript NM_201384.3 (MANE Select); one copy of the 3-base unit CGG starting at c.4220; the reference has two copies in a row; one copy, 3 bases deleted.
Protein change: p.Ala1408del; deletes alanine 1408.
Molecular consequence: inframe deletion. On other transcripts: intron variant (1).
Genome position (GRCh38, 1-based): chr8:143,925,704-143,925,706, CCG deleted on the plus strand (CGG on the coding strand, the reverse complement: PLEC is on the minus strand); deleting any 3 consecutive bases within chr8:143,925,704-143,925,711 gives the same sequence; the position shown is the placement nearest the transcript's 3' end. VCF-style (leftmost placement, unchanged base first): chr8-143925703-ACCG-A. GRCh37 (hg19) VCF-style: chr8-144999871-ACCG-A.
Other names: c.4301CGG[1], p.Ala1435del (NM_000445.5); c.4178CGG[1], p.Ala1394del (NM_201378.4); c.4154CGG[1], p.Ala1386del (NM_201379.3); c.4631CGG[1], p.Ala1545del (NM_201380.4); c.4124CGG[1], p.Ala1376del (NM_201381.3); c.4220CGG[1], p.Ala1408del (NM_201382.4); c.4232CGG[1], p.Ala1412del (NM_201383.3); c.4125+1078_4125+1080del (NM_001410941.1); short protein forms A1376del, A1386del, A1394del, A1408del, A1412del, A1435del, A1545del.
Identifiers: ClinVar variation 3760876 (VCV003760876.2).
Genomic context (GRCh38, chr8:143,925,703, plus strand): 5'-GAGCTCTGCCGCAGCTGCTGCAGCTCCTCCTGAATGCTGCGCTTCTGCTGCTGCGCGTCC[ACCG>A]CCGCCTCCTCCCGCCGCACCACCTCCTCCTGCATGCGCTGCTGCAGCTCCTTCGCCTCCC-3'

ClinVar aggregate classification (germline): Uncertain significance (1 of 4 stars; one submission).

Conditions:
Epidermolysis bullosa simplex with nail dystrophy (EBS5D). Identifiers: MedGen C4225309, MONDO:0014661, OMIM 616487.
Epidermolysis bullosa simplex, Ogna type (EBS5A). Also called: EPIDERMOLYSIS BULLOSA SIMPLEX 5A, OGNA TYPE; Pidermolysis bullosa simplex 5A, Ogna type. Identifiers: Orphanet 79401, MedGen C0432317, MONDO:0007555, OMIM 131950.
Autosomal recessive limb-girdle muscular dystrophy type 2Q (LGMDR17). Also called: MUSCULAR DYSTROPHY, LIMB-GIRDLE, AUTOSOMAL RECESSIVE 17. Identifiers: Orphanet 254361, MedGen C3150989, MONDO:0013390, OMIM 613723.
Epidermolysis bullosa simplex 5B, with muscular dystrophy (EBS5B). Also called: EPIDERMOLYSIS BULLOSA SIMPLEX AND LIMB-GIRDLE MUSCULAR DYSTROPHY; Epidermolysis bullosa simplex with muscular dystrophy. Identifiers: Orphanet 257, MedGen C2931072, MONDO:0009181, OMIM 226670.
Epidermolysis bullosa simplex 5C, with pyloric atresia (EBS5C). Also called: PLEC1-Related Epidermolysis Bullosa with Pyloric Atresia; PLEC-Related Epidermolysis Bullosa with Pyloric Atresia; Epidermolysis bullosa simplex with pyloric atresia. Identifiers: Orphanet 158684, MedGen C2677349, MONDO:0012807, OMIM 612138.

Submission:

Labcorp Genetics (formerly Invitae), Labcorp
Classification: Uncertain significance for Autosomal recessive limb-girdle muscular dystrophy type 2Q; Epidermolysis bullosa simplex, Ogna type; Epidermolysis bullosa simplex with nail dystrophy; Epidermolysis bullosa simplex 5C, with pyloric atresia; Epidermolysis bullosa simplex 5B, with muscular dystrophy. Last evaluated: 2024-11-19. Review status: criteria provided, single submitter. Criteria: Invitae Variant Classification Sherloc (09022015). Collection method: clinical testing. Allele origin: germline.
Comment: This variant, c.4304_4306del, results in the deletion of 1 amino acid(s) of the PLEC protein (p.Ala1435del), but otherwise preserves the integrity of the reading frame. This variant is present in population databases (rs782114929, gnomAD 0.008%). This variant has not been reported in the literature in individuals affected with PLEC-related conditions. Experimental studies and prediction algorithms are not available or were not evaluated, and the functional significance of this variant is currently unknown. In summary, the available evidence is currently insufficient to determine the role of this variant in disease. Therefore, it has been classified as a Variant of Uncertain Significance.